The following continues an entry in ClinVar:

NM_007294.4(BRCA1):c.3640G>A (p.Glu1214Lys)

ClinVar aggregate classification (germline): Benign. Benign (1).

Submissions 17 to 19 of 19:

Department of Pathology and Laboratory Medicine, Sinai Health System
Classification: Benign for Malignant tumor of breast. Review status: no assertion criteria provided. Collection method: clinical testing. Allele origin: unknown. Affected: yes. Observed: 2 variant alleles. Study: The Canadian Open Genetics Repository (COGR). Not counted in ClinVar's aggregate classification.
Comment: The BRCA1 p.Glu1214Lys variant was identified in one individual with ovarian cancer and one family with hereditary prostate cancer; however, control chromosomes from healthy individuals were not included in these studies (Akbari 2011, Zuhlke 2004). The variant was also identified in dbSNP (ID: rs80356923) â€š With untested alleleâ€šÃ„Ã¹, LOVD, COSMIC, UMD (8X as a neutral variant), and the BIC database (9X with unknown clinical importance). This residue is conserved in mammals but not across lower organisms, and computational analyses (PolyPhen-2, SIFT, AlignGVGD, BLOSUM) provide inconsistent predictions regarding the impact to the protein; this information is not very predictive of pathogenicity. One in silico study by Tram (2013) suggests that the variant may affect protein binding to neighbouring nucleotides; however, two other in silico studies using a multifactorial likelihood-ratio model predict this variant to be neutral or likely not pathogenic (Easton 2007, Lindor 2012). However, Myriad has found this variant in trans with a known deleterious mutation and classify it as a polymorphism (personal communication). In summary, based on the above information, this variant meets our laboratory's criteria to be classified as benign.

Diagnostic Laboratory, Department of Genetics, University Medical Center Groningen
Classification: Likely benign. Review status: no assertion criteria provided. Collection method: clinical testing. Allele origin: germline. Affected: yes. Study: VKGL Data-share Consensus. Not counted in ClinVar's aggregate classification.

Joint Genome Diagnostic Labs from Nijmegen and Maastricht, Radboudumc and MUMC+
Classification: Benign. Review status: no assertion criteria provided. Collection method: clinical testing. Allele origin: germline. Affected: yes. Study: VKGL Data-share Consensus. Not counted in ClinVar's aggregate classification.

Literature cited by the submitters: PubMed 21990134 (cited by 4 submitters); PubMed 16267036 (cited by Women's Health and Genetics/Laboratory Corporation of America, LabCorp); PubMed 16518693 (cited by Women's Health and Genetics/Laboratory Corporation of America, LabCorp and Laboratory for Molecular Medicine, Mass General Brigham Personalized Medicine); PubMed 21965345 (cited by 3 submitters); PubMed 17924331 (cited by 3 submitters); PubMed 22753008 (cited by Women's Health and Genetics/Laboratory Corporation of America, LabCorp); PubMed 22516946 (cited by Women's Health and Genetics/Laboratory Corporation of America, LabCorp); PubMed 21120943 (cited by Women's Health and Genetics/Laboratory Corporation of America, LabCorp); PubMed 15447980 (cited by 3 submitters); PubMed 23704879 (cited by 3 submitters); PubMed 21147080 (cited by Women's Health and Genetics/Laboratory Corporation of America, LabCorp and Laboratory for Molecular Medicine, Mass General Brigham Personalized Medicine); PubMed 18273839 (cited by Women's Health and Genetics/Laboratory Corporation of America, LabCorp).